The following is an entry in ClinVar:

ClinVar aggregate classification (germline): Pathogenic/Likely pathogenic. Review status: criteria provided, multiple submitters, no conflicts (2 of 4 stars). 4 submissions from 4 submitters: Pathogenic (3); Likely pathogenic (1). Last evaluated 2022-05-02.

Conditions:
Kabuki syndrome. Also called: Kabuki make-up syndrome; NIIKAWA-KUROKI SYNDROME. Identifiers: Orphanet 2322, MedGen C0796004, MONDO:0016512.
Inborn genetic diseases. Identifiers: MedGen C0950123, MeSH D030342.
Kabuki syndrome 1 (KABUK1). Also called: KMT2D-Related Kabuki Syndrome. Identifiers: Orphanet 2322, MedGen CN030661, MONDO:0007843, OMIM 147920.

Submissions (4):

Ambry Genetics
Classification: Pathogenic for Inborn genetic diseases. Last evaluated: 2022-05-02. Review status: criteria provided, single submitter. Criteria: Ambry Variant Classification Scheme 2023. Collection method: clinical testing. Allele origin: germline.
Comment: The c.14075+1G>A intronic variant results from a G to A substitution one nucleotide after coding exon 43 of the KMT2D gene. Alterations that disrupt the canonical splice site are expected to cause aberrant splicing, resulting in an abnormal protein or a transcript that is subject to nonsense-mediated mRNA decay. This variant was not reported in population-based cohorts in the Genome Aggregation Database (gnomAD). This alteration was reported in an infant with sensorineural hearing impairment, cleft palate, ventricular septal defect, and partially duplicated displaced kidney (Stark, 2016). This nucleotide position is highly conserved in available vertebrate species. In silico splice site analysis predicts that this alteration will weaken the native splice donor site. Based on the available evidence, this alteration is classified as pathogenic.

Labcorp Genetics (formerly Invitae), Labcorp
Classification: Likely pathogenic for Kabuki syndrome. Last evaluated: 2022-03-02. Review status: criteria provided, single submitter. Criteria: Invitae Variant Classification Sherloc (09022015). Collection method: clinical testing. Allele origin: germline.
Comment: In summary, the currently available evidence indicates that the variant is pathogenic, but additional data are needed to prove that conclusively. Therefore, this variant has been classified as Likely Pathogenic. Algorithms developed to predict the effect of sequence changes on RNA splicing suggest that this variant may disrupt the consensus splice site. ClinVar contains an entry for this variant (Variation ID: 369674). Disruption of this splice site has been observed in individual(s) with Kabuki syndrome (PMID: 29453417; Invitae). This variant is not present in population databases (gnomAD no frequency). This sequence change affects a donor splice site in intron 43 of the KMT2D gene. It is expected to disrupt RNA splicing. Variants that disrupt the donor or acceptor splice site typically lead to a loss of protein function (PMID: 16199547), and loss-of-function variants in KMT2D are known to be pathogenic (PMID: 22126750).

Victorian Clinical Genetics Services, Murdoch Childrens Research Institute
Classification: Pathogenic for Kabuki syndrome 1. Last evaluated: 2014-11-24. Review status: criteria provided, single submitter. Criteria: ACMG Guidelines, 2015. Collection method: clinical testing. Allele origin: de novo. Inheritance: Autosomal dominant inheritance. Affected: yes. Observed: 1 variant allele.
Comment: This substitution is predicted to abolish the donor splice site of exon 43 and may result in premature truncation of the protein. This is a novel variant and is predicted to be deleterious by in-silico models.

Neuberg Centre For Genomic Medicine, NCGM
Classification: Pathogenic for Kabuki syndrome 1. Review status: criteria provided, single submitter. Criteria: ACMG Guidelines, 2015. Collection method: clinical testing. Allele origin: germline. Inheritance: Autosomal dominant inheritance. Affected: yes.
Comment: The splice donor c.14075+1G>A variant in the KMT2D gene has been observed in individual(s) with Kabuki syndrome (Dillon, Oliver James et al., 2018). The variant is absent in gnomAD Exomes. The variant has been submitted to ClinVar databse as Likely Pathogenic/Pathogenic. The variant affects the GT donor splice site downstream of exon 44. Loss of function variants have been previously reported to be disease causing. The spliceAI tool predicts the variant to be damaging. For these reasons, this variant has been classified as Pathogenic.

Literature cited by the submitters: PubMed 26938784 (cited by Ambry Genetics and Victorian Clinical Genetics Services, Murdoch Childrens Research Institute); PubMed 29453417 (cited by Labcorp Genetics (formerly Invitae), Labcorp); PubMed 16199547 (cited by Labcorp Genetics (formerly Invitae), Labcorp); PubMed 22126750 (cited by Labcorp Genetics (formerly Invitae), Labcorp).

NM_003482.4(KMT2D):c.14075+1G>A

Gene: KMT2D (lysine methyltransferase 2D; minus strand). Cytogenetic location: 12q13.12.
Variant type: single nucleotide variant.
Coding change: c.14075+1G>A on transcript NM_003482.4 (MANE Select); the canonical splice donor site of the intron after coding-DNA position 14075, G replaced by A.
Molecular consequence: splice donor variant.
Genome position (GRCh38, 1-based): chr12:49,029,400, C>T on the plus strand (G>A on the coding strand, the complement: KMT2D is on the minus strand). VCF-style: chr12-49029400-C-T. GRCh37 (hg19) VCF-style: chr12-49423183-C-T.
Identifiers: ClinVar variation 369674 (VCV000369674.10), dbSNP rs1057516039, ClinGen allele CA10654764.